The following is an entry in ClinVar:

NM_006015.6(ARID1A):c.3833A>T (p.His1278Leu)

Gene: ARID1A (AT-rich interaction domain 1A; plus strand). Cytogenetic location: 1p36.11.
Variant type: single nucleotide variant.
Coding change: c.3833A>T on transcript NM_006015.6 (MANE Select); coding-DNA position 3833, A replaced by T.
Protein change: p.His1278Leu; replaces histidine 1278 with leucine.
Molecular consequence: missense variant.
Genome position (GRCh38, 1-based): chr1:26,773,463, A>T. VCF-style: chr1-26773463-A-T. GRCh37 (hg19) VCF-style: chr1-27099954-A-T.
Other names: c.3833A>T, p.His1278Leu (NM_139135.4); short protein forms H1278L.
Identifiers: ClinVar variation 4885224 (VCV004885224.2).

ClinVar aggregate classification (germline): Uncertain significance (1 of 4 stars; one submission).

Submission:

Dasa
Classification: Uncertain significance. Last evaluated: 2026-01-05. Review status: criteria provided, single submitter. Criteria: DASA Assertion Criteria. Collection method: clinical testing. Allele origin: germline.
Comment: NM_006015.6(ARID1A):c.3833A>T (p.His1278Leu) is a missense variant that results in the substitution of histidine with leucine. This variant is absent from population databases. The currently available literature and clinical evidence are not sufficient to establish a definitive association between this variant and the reported condition. Therefore, this variant is classified as a variant of uncertain significance.